The following is an entry in ClinVar:

ClinVar aggregate classification (germline): Conflicting classifications of pathogenicity. Review status: criteria provided, conflicting classifications (1 of 4 stars). 2 submissions from 2 submitters: Uncertain significance (1); Likely benign (1). Last evaluated 2024-12-22.

Conditions:
Inborn genetic diseases. Identifiers: MedGen C0950123, MeSH D030342.
Chondrodysplasia punctata, brachytelephalangic, autosomal. Also called: BRACHYTELEPHALANGIC CHONDRODYSPLASIA PUNCTATA. Identifiers: MedGen C1844853, MONDO:0011238, OMIM 602497.

Allele frequency attached by ClinVar (database versions not stated): gnomAD 0.00001; TOPMed 0.00002; gnomAD exomes 0.00004 and 0.00016; ExAC 0.00007.
gnomAD v4.1: 172 of 1,208,795 alleles (0.014%); highest among the groups gnomAD compares: Non-Finnish European, 0.019%; no homozygotes.

Submissions (2):

Ambry Genetics
Classification: Likely benign for Inborn genetic diseases. Last evaluated: 2024-12-22. Review status: criteria provided, single submitter. Criteria: Ambry Variant Classification Scheme 2023. Collection method: clinical testing. Allele origin: germline.

Labcorp Genetics (formerly Invitae), Labcorp
Classification: Uncertain significance for Chondrodysplasia punctata, brachytelephalangic, autosomal. Last evaluated: 2022-11-01. Review status: criteria provided, single submitter. Criteria: Invitae Variant Classification Sherloc (09022015). Collection method: clinical testing. Allele origin: germline.
Comment: This sequence change replaces phenylalanine, which is neutral and non-polar, with serine, which is neutral and polar, at codon 243 of the ARSE protein (p.Phe243Ser). This variant is present in population databases (rs779527848, gnomAD 0.009%). This variant has not been reported in the literature in individuals affected with ARSE-related conditions. ClinVar contains an entry for this variant (Variation ID: 1683197). Algorithms developed to predict the effect of missense changes on protein structure and function (SIFT, PolyPhen-2, Align-GVGD) all suggest that this variant is likely to be tolerated. In summary, the available evidence is currently insufficient to determine the role of this variant in disease. Therefore, it has been classified as a Variant of Uncertain Significance.

NM_000047.3(ARSL):c.728T>C (p.Phe243Ser)

Gene: ARSL (arylsulfatase L; minus strand). Cytogenetic location: Xp22.33.
Variant type: single nucleotide variant.
Coding change: c.728T>C on transcript NM_000047.3 (MANE Select); coding-DNA position 728, T replaced by C.
Protein change: p.Phe243Ser; replaces phenylalanine 243 with serine.
Molecular consequence: missense variant.
Genome position (GRCh38, 1-based): chrX:2,949,430, A>G on the plus strand (T>C on the coding strand, the complement: ARSL is on the minus strand). VCF-style: chrX-2949430-A-G. GRCh37 (hg19) VCF-style: chrX-2867471-A-G.
Other names: c.803T>C, p.Phe268Ser (NM_001282628.2, NM_001369080.1); c.566T>C, p.Phe189Ser (NM_001282631.2); c.755T>C, p.Phe252Ser (NM_001369079.1); c.728T>C (NM_000047.2); short protein forms F189S, F243S, F252S, F268S.
Identifiers: ClinVar variation 1683197 (VCV001683197.6), dbSNP rs779527848, ClinGen allele CA10338155.